The following is an entry in ClinVar:

NM_001024845.3(SLC6A9):c.1856T>A (p.Ile619Asn)

Gene: SLC6A9 (solute carrier family 6 member 9; minus strand). Cytogenetic location: 1p34.1.
Variant type: single nucleotide variant.
Coding change: c.1856T>A on transcript NM_001024845.3 (MANE Select); coding-DNA position 1856, T replaced by A.
Protein change: p.Ile619Asn; replaces isoleucine 619 with asparagine.
Molecular consequence: missense variant. On other transcripts: non-coding transcript variant (1).
Genome position (GRCh38, 1-based): chr1:43,997,591, A>T on the plus strand (T>A on the coding strand, the complement: SLC6A9 is on the minus strand). VCF-style: chr1-43997591-A-T. GRCh37 (hg19) VCF-style: chr1-44463263-A-T.
Other names: c.1868T>A, p.Ile623Asn (NM_001261380.2); c.1523T>A, p.Ile508Asn (NM_001328626.2); c.1793T>A, p.Ile598Asn (NM_001328627.1); c.1661T>A, p.Ile554Asn (NM_001328628.1); c.1856T>A, p.Ile619Asn (NM_001328629.1); c.1352T>A, p.Ile451Asn (NM_001328630.2); c.1913T>A, p.Ile638Asn (NM_006934.4); c.2075T>A, p.Ile692Asn (NM_201649.4); short protein forms I451N, I508N, I554N, I598N, I619N, I623N, I638N, I692N.
Identifiers: ClinVar variation 3378042 (VCV003378042.1).

ClinVar aggregate classification (germline): Uncertain significance (1 of 4 stars; one submission).

gnomAD v4.1: 3 of 1,613,634 alleles (0.00019%); highest among the groups gnomAD compares: Middle Eastern, 0.033%; no homozygotes.

Submission:

GeneDx
Classification: Uncertain significance. Last evaluated: 2024-05-16. Review status: criteria provided, single submitter. Criteria: GeneDx Variant Classification Process June 2021. Collection method: clinical testing. Allele origin: germline. Affected: yes.
Comment: Not observed at significant frequency in large population cohorts (gnomAD); In silico analysis indicates that this missense variant does not alter protein structure/function; Has not been previously published as pathogenic or benign to our knowledge